The following is an entry in ClinVar:

NM_001257291.2(SLC9A7):c.900G>A (p.Ser300=)

Gene: SLC9A7 (solute carrier family 9 member A7; minus strand). Cytogenetic location: Xp11.3.
Variant type: single nucleotide variant.
Coding change: c.900G>A on transcript NM_001257291.2 (MANE Select); coding-DNA position 900, G replaced by A.
Protein change: p.Ser300=; no amino-acid change (serine 300 retained).
Molecular consequence: synonymous variant.
Genome position (GRCh38, 1-based): chrX:46,662,157, C>T on the plus strand (G>A on the coding strand, the complement: SLC9A7 is on the minus strand). VCF-style: chrX-46662157-C-T. GRCh37 (hg19) VCF-style: chrX-46521592-C-T.
Other names: c.900G>A, p.Ser300= (NM_032591.3).
Identifiers: ClinVar variation 2580018 (VCV002580018.1), dbSNP rs2519541271, ClinGen allele CA516254775.

ClinVar aggregate classification (germline): Uncertain significance (1 of 4 stars; one submission).

Submission:

GeneDx
Classification: Uncertain significance. Last evaluated: 2023-03-12. Review status: criteria provided, single submitter. Criteria: GeneDx Variant Classification Process June 2021. Collection method: clinical testing. Allele origin: germline. Affected: yes.
Comment: Not observed at significant frequency in large population cohorts (gnomAD); Has not been previously published as pathogenic or benign to our knowledge; In silico analysis is inconclusive as to whether the variant alters gene splicing. In the absence of RNA/functional studies, the actual effect of this sequence change is unknown.